The following is an entry in ClinVar:

ClinVar aggregate classification (germline): Uncertain significance (1 of 4 stars; one submission).

Conditions:
Cardiovascular phenotype. Identifiers: MedGen CN230736.

Submission:

Ambry Genetics
Classification: Uncertain significance for Cardiovascular phenotype. Last evaluated: 2025-03-02. Review status: criteria provided, single submitter. Criteria: Ambry Variant Classification Scheme 2023. Collection method: clinical testing. Allele origin: germline.
Comment: The p.R2607M variant (also known as c.7820G>T), located in coding exon 2 of the ZNF469 gene, results from a G to T substitution at nucleotide position 7820. The arginine at codon 2607 is replaced by methionine, an amino acid with similar properties. This amino acid position is conserved. In addition, this alteration is predicted to be tolerated by in silico analysis. Based on the available evidence, the clinical significance of this variant remains unclear.

NM_001367624.2(ZNF469):c.7904G>T (p.Arg2635Met)

Gene: ZNF469 (zinc finger protein 469; plus strand). Cytogenetic location: 16q24.2.
Variant type: single nucleotide variant.
Coding change: c.7904G>T on transcript NM_001367624.2 (MANE Select); coding-DNA position 7904, G replaced by T.
Protein change: p.Arg2635Met; replaces arginine 2635 with methionine.
Molecular consequence: missense variant.
Genome position (GRCh38, 1-based): chr16:88,435,374, G>T. VCF-style: chr16-88435374-G-T. GRCh37 (hg19) VCF-style: chr16-88501782-G-T.
Other names: NM_001127464.1:c.7820G>T; short protein forms R2635M.
Identifiers: ClinVar variation 3821166 (VCV003821166.1).